The following is an entry in ClinVar:

ClinVar aggregate classification (germline): Uncertain significance (1 of 4 stars; one submission).

Submission:

Labcorp Genetics (formerly Invitae), Labcorp
Classification: Uncertain significance. Last evaluated: 2024-03-05. Review status: criteria provided, single submitter. Criteria: Invitae Variant Classification Sherloc (09022015). Collection method: clinical testing. Allele origin: germline.
Comment: This sequence change replaces lysine, which is basic and polar, with threonine, which is neutral and polar, at codon 1536 of the SMARCA2 protein (p.Lys1536Thr). This variant is not present in population databases (gnomAD no frequency). This variant has not been reported in the literature in individuals affected with SMARCA2-related conditions. ClinVar contains an entry for this variant (Variation ID: 2117505). Advanced modeling of protein sequence and biophysical properties (such as structural, functional, and spatial information, amino acid conservation, physicochemical variation, residue mobility, and thermodynamic stability) performed at Invitae indicates that this missense variant is not expected to disrupt SMARCA2 protein function with a negative predictive value of 80%. In summary, the available evidence is currently insufficient to determine the role of this variant in disease. Therefore, it has been classified as a Variant of Uncertain Significance.

NM_003070.5(SMARCA2):c.4607A>C (p.Lys1536Thr)

Gene: SMARCA2 (SWI/SNF related BAF chromatin remodeling complex subunit ATPase 2; plus strand). Cytogenetic location: 9p24.3.
Variant type: single nucleotide variant.
Coding change: c.4607A>C on transcript NM_003070.5 (MANE Select); coding-DNA position 4607, A replaced by C.
Protein change: p.Lys1536Thr; replaces lysine 1536 with threonine.
Molecular consequence: missense variant.
Genome position (GRCh38, 1-based): chr9:2,191,278, A>C. VCF-style: chr9-2191278-A-C. GRCh37 (hg19) VCF-style: chr9-2191278-A-C.
Other names: c.4379A>C, p.Lys1460Thr (NM_001289397.2); c.581A>C, p.Lys194Thr (NM_001289398.2); c.665A>C, p.Lys222Thr (NM_001289399.2); c.671A>C, p.Lys224Thr (NM_001289400.2); c.4553A>C, p.Lys1518Thr (NM_139045.4); c.4607A>C, p.Lys1536Thr (NM_001289396.2); short protein forms K222T, K1518T, K224T, K1460T, K1536T, K194T.
Identifiers: ClinVar variation 2117505 (VCV002117505.4), dbSNP rs1827861560, ClinGen allele CA372792581.